The following is an entry in ClinVar:

NM_002485.5(NBN):c.982C>T (p.His328Tyr)

Gene: NBN (nibrin; minus strand). Cytogenetic location: 8q21.3.
Variant type: single nucleotide variant.
Coding change: c.982C>T on transcript NM_002485.5 (MANE Select); coding-DNA position 982, C replaced by T.
Protein change: p.His328Tyr; replaces histidine 328 with tyrosine.
Molecular consequence: missense variant.
Genome position (GRCh38, 1-based): chr8:89,964,422, G>A on the plus strand (C>T on the coding strand, the complement: NBN is on the minus strand). VCF-style: chr8-89964422-G-A. GRCh37 (hg19) VCF-style: chr8-90976650-G-A.
Other names: c.736C>T, p.His246Tyr (NM_001024688.3); short protein forms H328Y, H246Y.
Identifiers: ClinVar variation 2828239 (VCV002828239.3), dbSNP rs2488284030, ClinGen allele CA371656864.
Genomic context (GRCh38, chr8:89,964,422, plus strand): 5'-TTACATAATAAAGTTGCTAACGAATCAATAAAATAATGCTTCAATTACCTGTACTGGGAT[G>A]GCCCTGAGGATCACAGTAATTCTTTGTAGTCATGAAAATCACCGCCAATCCAATTTCTGC-3'
Protein context (NP_002476.2, residues 318-338): TTKNYCDPQG[His328Tyr]PSTGLKTTTP

ClinVar aggregate classification (germline): Uncertain significance (1 of 4 stars; one submission).

Conditions:
Microcephaly, normal intelligence and immunodeficiency (NBS). Also called: IMMUNODEFICIENCY, MICROCEPHALY, AND CHROMOSOMAL INSTABILITY; SEEMANOVA SYNDROME II; Immunodeficiency, microcephaly with normal intelligence; Nijmegen breakage syndrome; Microcephaly with normal intelligence immunodeficiency and lymphoreticular malignancies; Nonsyndromal microcephaly autosomal recessive with normal intelligence. Identifiers: Orphanet 647, MedGen C0398791, MONDO:0009623, OMIM 251260.

Submission:

Labcorp Genetics (formerly Invitae), Labcorp
Classification: Uncertain significance for Microcephaly, normal intelligence and immunodeficiency. Last evaluated: 2023-01-13. Review status: criteria provided, single submitter. Criteria: Invitae Variant Classification Sherloc (09022015). Collection method: clinical testing. Allele origin: germline.
Comment: In summary, the available evidence is currently insufficient to determine the role of this variant in disease. Therefore, it has been classified as a Variant of Uncertain Significance. Algorithms developed to predict the effect of missense changes on protein structure and function (SIFT, PolyPhen-2, Align-GVGD) all suggest that this variant is likely to be tolerated. This variant has not been reported in the literature in individuals affected with NBN-related conditions. This variant is not present in population databases (gnomAD no frequency). This sequence change replaces histidine, which is basic and polar, with tyrosine, which is neutral and polar, at codon 328 of the NBN protein (p.His328Tyr).